The following is an entry in ClinVar:

NM_017780.4(CHD7):c.4915del (p.Asp1638_Val1639insTer)

Gene: CHD7 (chromodomain helicase DNA binding protein 7; plus strand). Cytogenetic location: 8q12.2.
Variant type: Deletion.
Coding change: c.4915del on transcript NM_017780.4 (MANE Select); coding-DNA position 4915, one base deleted (G; older notation c.4915delG).
Protein change: p.Asp1638_Val1639insTer.
Molecular consequence: nonsense. On other transcripts: intron variant (1).
Genome position (GRCh38, 1-based): chr8:60,844,928, G deleted. VCF-style (leftmost placement, unchanged base first): chr8-60844927-TG-T. GRCh37 (hg19) VCF-style: chr8-61757486-TG-T.
Other names: c.1717-17301del (NM_001316690.1).
Identifiers: ClinVar variation 220281 (VCV000220281.8), dbSNP rs864622455, ClinGen allele CA350291.

ClinVar aggregate classification (germline): Pathogenic (1 of 4 stars; one submission).

Conditions:
CHARGE syndrome (CHARGE). Also called: Coloboma, heart anomaly, choanal atresia, retardation, genital and ear anomalies; CHARGE association; Hall-Hittner syndrome; CHARGE ASSOCIATION--COLOBOMA, HEART ANOMALY, CHOANAL ATRESIA, RETARDATION, GENITAL AND EAR ANOMALIES; Hittner Hirsch Kreh syndrome. Identifiers: Orphanet 138, MedGen C0265354, MONDO:0008965.

Submission:

Labcorp Genetics (formerly Invitae), Labcorp
Classification: Pathogenic for CHARGE syndrome. Last evaluated: 2015-09-19. Review status: criteria provided, single submitter. Criteria: Invitae Variant Classification Sherloc (09022015). Collection method: clinical testing. Allele origin: germline.
Comment: For these reasons, this variant has been classified as Pathogenic. While this particular variant has not been reported in the literature, truncating variants in CHD7 are known to be pathogenic (PMID: 22461308). This sequence change deletes 1 nucleotide from exon 22 of the CHD7 mRNA (c.4915delG), causing a frameshift at codon 1639. This creates a premature translational stop signal (p.Val1639*) and is expected to result in an absent or disrupted protein product.

Literature cited by the submitters: PubMed 22461308.